The following is an entry in ClinVar:

NM_005739.4(RASGRP1):c.1037A>G (p.Glu346Gly)

Gene: RASGRP1 (RAS guanyl releasing protein 1; minus strand). Cytogenetic location: 15q14.
Variant type: single nucleotide variant.
Coding change: c.1037A>G on transcript NM_005739.4 (MANE Select); coding-DNA position 1037, A replaced by G.
Protein change: p.Glu346Gly; replaces glutamic acid 346 with glycine.
Molecular consequence: missense variant.
Genome position (GRCh38, 1-based): chr15:38,507,931, T>C on the plus strand (A>G on the coding strand, the complement: RASGRP1 is on the minus strand). VCF-style: chr15-38507931-T-C. GRCh37 (hg19) VCF-style: chr15-38800132-T-C.
Other names: c.1037A>G, p.Glu346Gly (NM_001128602.2, NM_001306086.2); c.1037A>G (NM_005739.3); short protein forms E346G.
Identifiers: ClinVar variation 1450825 (VCV001450825.8), dbSNP rs761383737, ClinGen allele CA7470971.

ClinVar aggregate classification (germline): Uncertain significance. Review status: criteria provided, multiple submitters, no conflicts (2 of 4 stars). 2 submissions from 2 submitters: Uncertain significance (2). Last evaluated 2025-12-08.

Allele frequency attached by ClinVar (database versions not stated): ExAC 0.00001; gnomAD exomes 0.00001; gnomAD 0.00001.
gnomAD v4.1: 17 of 1,612,752 alleles (0.0011%); highest among the groups gnomAD compares: Non-Finnish European, 0.0014%; no homozygotes.

Submissions (2):

Ambry Genetics
Classification: Uncertain significance. Last evaluated: 2025-12-08. Review status: criteria provided, single submitter. Criteria: Ambry Variant Classification Scheme 2023. Collection method: clinical testing. Allele origin: germline.

Labcorp Genetics (formerly Invitae), Labcorp
Classification: Uncertain significance. Last evaluated: 2023-09-22. Review status: criteria provided, single submitter. Criteria: Invitae Variant Classification Sherloc (09022015). Collection method: clinical testing. Allele origin: germline.
Comment: In summary, the available evidence is currently insufficient to determine the role of this variant in disease. Therefore, it has been classified as a Variant of Uncertain Significance. Advanced modeling of protein sequence and biophysical properties (such as structural, functional, and spatial information, amino acid conservation, physicochemical variation, residue mobility, and thermodynamic stability) performed at Invitae indicates that this missense variant is not expected to disrupt RASGRP1 protein function. ClinVar contains an entry for this variant (Variation ID: 1450825). This variant has not been reported in the literature in individuals affected with RASGRP1-related conditions. This variant is present in population databases (rs761383737, gnomAD 0.003%). This sequence change replaces glutamic acid, which is acidic and polar, with glycine, which is neutral and non-polar, at codon 346 of the RASGRP1 protein (p.Glu346Gly).